The following is an entry in ClinVar:

NM_001953.5(TYMP):c.944G>A (p.Trp315Ter)

Genes: TYMP (thymidine phosphorylase; minus strand), LOC130067862 (ATAC-STARR-seq lymphoblastoid silent region 13986; plus strand). Cytogenetic location: 22q13.33.
Variant type: single nucleotide variant.
Coding change: c.944G>A on transcript NM_001953.5 (MANE Select); coding-DNA position 944, G replaced by A.
Protein change: p.Trp315Ter; replaces tryptophan 315 with a stop codon.
Molecular consequence: nonsense.
Genome position (GRCh38, 1-based): chr22:50,526,461, C>T on the plus strand (G>A on the coding strand, the complement: TYMP is on the minus strand). VCF-style: chr22-50526461-C-T. GRCh37 (hg19) VCF-style: chr22-50964890-C-T.
Other names: c.944G>A, p.Trp315Ter (NM_001113755.3, NM_001113756.3, NM_001257988.1 and 1 more transcripts); short protein forms W315*.
Identifiers: ClinVar variation 2976929 (VCV002976929.3), dbSNP rs1344839231, ClinGen allele CA412198311.

ClinVar aggregate classification (germline): Pathogenic (1 of 4 stars; one submission).

Submission:

Labcorp Genetics (formerly Invitae), Labcorp
Classification: Pathogenic. Last evaluated: 2023-01-14. Review status: criteria provided, single submitter. Criteria: Invitae Variant Classification Sherloc (09022015). Collection method: clinical testing. Allele origin: germline.
Comment: For these reasons, this variant has been classified as Pathogenic. This variant has not been reported in the literature in individuals affected with TYMP-related conditions. This variant is not present in population databases (gnomAD no frequency). This sequence change creates a premature translational stop signal (p.Trp315*) in the TYMP gene. It is expected to result in an absent or disrupted protein product. Loss-of-function variants in TYMP are known to be pathogenic (PMID: 9924029, 15781193).

Literature cited by the submitters: PubMed 9924029; PubMed 15781193.